The following is an entry in ClinVar:

ClinVar aggregate classification (germline): Uncertain significance (1 of 4 stars; one submission).

Conditions:
Cystic fibrosis (CF). Also called: MUCOVISCIDOSIS. Identifiers: Orphanet 586, MedGen C0010674, MONDO:0009061, OMIM 219700. Disease mechanism: loss of function.

Submission:

Labcorp Genetics (formerly Invitae), Labcorp
Classification: Uncertain significance for Cystic fibrosis. Last evaluated: 2022-12-01. Review status: criteria provided, single submitter. Criteria: Invitae Variant Classification Sherloc (09022015). Collection method: clinical testing. Allele origin: germline.
Comment: This sequence change replaces serine, which is neutral and polar, with threonine, which is neutral and polar, at codon 1442 of the CFTR protein (p.Ser1442Thr). This variant is not present in population databases (gnomAD no frequency). This variant has not been reported in the literature in individuals affected with CFTR-related conditions. Advanced modeling of protein sequence and biophysical properties (such as structural, functional, and spatial information, amino acid conservation, physicochemical variation, residue mobility, and thermodynamic stability) performed at Invitae indicates that this missense variant is expected to disrupt CFTR protein function. In summary, the available evidence is currently insufficient to determine the role of this variant in disease. Therefore, it has been classified as a Variant of Uncertain Significance.

NM_000492.4(CFTR):c.4325G>C (p.Ser1442Thr)

Genes: CFTR (CF transmembrane conductance regulator; plus strand), LOC111674477 (CFTR intron 23 enhancer; plus strand). Cytogenetic location: 7q31.2.
Variant type: single nucleotide variant.
Coding change: c.4325G>C on transcript NM_000492.4 (MANE Select); coding-DNA position 4325, G replaced by C.
Protein change: p.Ser1442Thr; replaces serine 1442 with threonine.
Molecular consequence: missense variant.
Genome position (GRCh38, 1-based): chr7:117,666,990, G>C. VCF-style: chr7-117666990-G-C. GRCh37 (hg19) VCF-style: chr7-117307044-G-C.
Other names: short protein forms S1442T.
Identifiers: ClinVar variation 2817806 (VCV002817806.3), dbSNP rs2116226416, ClinGen allele CA368984866.